The following is an entry in ClinVar:

ClinVar aggregate classification (germline): Uncertain significance (1 of 4 stars; one submission).

gnomAD v4.1: 13 of 1,613,236 alleles (0.00081%); highest among the groups gnomAD compares: Non-Finnish European, 0.0011%; no homozygotes.

Submission:

GeneDx
Classification: Uncertain significance. Last evaluated: 2023-10-12. Review status: criteria provided, single submitter. Criteria: GeneDx Variant Classification Process June 2021. Collection method: clinical testing. Allele origin: germline. Affected: yes.
Comment: Identified in an individual with Primary Familial Brain Calcification (PFBC) in published literature (Nicolas et al. 2015); Not observed at significant frequency in large population cohorts (gnomAD); In silico analysis supports that this missense variant does not alter protein structure/function; This variant is associated with the following publications: (PMID: 31618668, 26129893)

NM_002608.4(PDGFB):c.328C>G (p.Leu110Val)

Gene: PDGFB (platelet derived growth factor subunit B; minus strand). Cytogenetic location: 22q13.1.
Variant type: single nucleotide variant.
Coding change: c.328C>G on transcript NM_002608.4 (MANE Select); coding-DNA position 328, C replaced by G.
Protein change: p.Leu110Val; replaces leucine 110 with valine.
Molecular consequence: missense variant.
Genome position (GRCh38, 1-based): chr22:39,231,750, G>C on the plus strand (C>G on the coding strand, the complement: PDGFB is on the minus strand). VCF-style: chr22-39231750-G-C. GRCh37 (hg19) VCF-style: chr22-39627755-G-C.
Other names: c.283C>G, p.Leu95Val (NM_033016.3); short protein forms L110V, L95V.
Identifiers: ClinVar variation 1687711 (VCV001687711.3), dbSNP rs532811473, ClinGen allele CA324361226.